The following is an entry in ClinVar:

ClinVar aggregate classification (germline): Uncertain significance (1 of 4 stars; one submission).

gnomAD v4.1: 34 of 1,614,030 alleles (0.0021%); highest among the groups gnomAD compares: Middle Eastern, 0.033%; no homozygotes.

Submission:

Labcorp Genetics (formerly Invitae), Labcorp
Classification: Uncertain significance. Last evaluated: 2022-07-25. Review status: criteria provided, single submitter. Criteria: Invitae Variant Classification Sherloc (09022015). Collection method: clinical testing. Allele origin: germline.
Comment: In summary, the available evidence is currently insufficient to determine the role of this variant in disease. Therefore, it has been classified as a Variant of Uncertain Significance. Algorithms developed to predict the effect of missense changes on protein structure and function are either unavailable or do not agree on the potential impact of this missense change (SIFT: "Deleterious"; PolyPhen-2: "Probably Damaging"; Align-GVGD: "Class C0"). This variant has not been reported in the literature in individuals affected with LBR-related conditions. This variant is present in population databases (rs764873714, gnomAD 0.02%). This sequence change replaces aspartic acid, which is acidic and polar, with tyrosine, which is neutral and polar, at codon 8 of the LBR protein (p.Asp8Tyr).

NM_002296.4(LBR):c.22G>T (p.Asp8Tyr)

Gene: LBR (lamin B receptor; minus strand). Cytogenetic location: 1q42.12.
Variant type: single nucleotide variant.
Coding change: c.22G>T on transcript NM_002296.4 (MANE Select); coding-DNA position 22, G replaced by T.
Protein change: p.Asp8Tyr; replaces aspartic acid 8 with tyrosine.
Molecular consequence: missense variant.
Genome position (GRCh38, 1-based): chr1:225,424,054, C>A on the plus strand (G>T on the coding strand, the complement: LBR is on the minus strand). VCF-style: chr1-225424054-C-A. GRCh37 (hg19) VCF-style: chr1-225611756-C-A.
Other names: c.22G>T, p.Asp8Tyr (NM_194442.3); short protein forms D8Y.
Identifiers: ClinVar variation 1903546 (VCV001903546.5), dbSNP rs764873714, ClinGen allele CA1417588.
Genomic context (GRCh38, chr1:225,424,054, plus strand): 5'-GAATTTCTACTTCATAATAAAGTGAACTCCCAGGCCATCGACCTCTTACCACTTCACCAT[C>A]GGCAAATTTCCTACTTGGCATTTTCTATAATTAACCTGAATAGTTTTAAAGAAAAAAATT-3'
Protein context (NP_002287.2, residues 1-18): MPSRKFA[Asp8Tyr]GEVVRGRWPG